The following is an entry in ClinVar:

NM_033641.4(COL4A6):c.3463C>T (p.Leu1155=)

Gene: COL4A6 (collagen type IV alpha 6 chain; minus strand). Cytogenetic location: Xq22.3.
Variant type: single nucleotide variant.
Coding change: c.3463C>T on transcript NM_033641.4 (MANE Select); coding-DNA position 3463, C replaced by T.
Protein change: p.Leu1155=; no amino-acid change (leucine 1155 retained).
Molecular consequence: synonymous variant.
Genome position (GRCh38, 1-based): chrX:108,170,639, G>A on the plus strand (C>T on the coding strand, the complement: COL4A6 is on the minus strand). VCF-style: chrX-108170639-G-A. GRCh37 (hg19) VCF-style: chrX-107413869-G-A.
Other names: p.Leu1156=; c.3514C>T, p.Leu1172= (NM_001287758.2); c.3463C>T, p.Leu1155= (NM_001287759.2, NM_001287760.2, NM_001440760.1); c.3466C>T, p.Leu1156= (NM_001440759.1, NM_001847.4).
Identifiers: ClinVar variation 4684532 (VCV004684532.1).

ClinVar aggregate classification (germline): Likely benign (1 of 4 stars; one submission).

Submission:

Mayo Clinic Laboratories, Mayo Clinic
Classification: Likely benign. Last evaluated: 2025-12-06. Review status: criteria provided, single submitter. Criteria: ACMG Guidelines, 2015. Collection method: clinical testing. Allele origin: germline. Observed: 1 variant allele.
Comment: BP4, BP7